The following is an entry in ClinVar:

NM_001384732.1(CPLANE1):c.8663+8_8663+12del

Gene: CPLANE1 (ciliogenesis and planar polarity effector complex subunit 1; minus strand). Cytogenetic location: 5p13.2.
Variant type: Deletion.
Coding change: c.8663+8_8663+12del on transcript NM_001384732.1 (MANE Select); bases 8 to 12 of the intron after coding-DNA position 8663, 5 bases deleted (TCTTA; older notation c.8663+8_8663+12delTCTTA).
Molecular consequence: intron variant.
Genome position (GRCh38, 1-based): chr5:37,139,328-37,139,332, TAAGA deleted on the plus strand (TCTTA on the coding strand, the reverse complement: CPLANE1 is on the minus strand); deleting any 5 consecutive bases within chr5:37,139,328-37,139,334 gives the same sequence; the c. name uses the placement nearest the transcript's 3' end. VCF-style (leftmost placement, unchanged base first): chr5-37139327-TTAAGA-T. GRCh37 (hg19) VCF-style: chr5-37139429-TTAAGA-T.
Other names: c.8501+8_8501+12del (NM_023073.4).
Identifiers: ClinVar variation 353423 (VCV000353423.8), dbSNP rs763664569, ClinGen allele CA3237713.

ClinVar aggregate classification (germline): Uncertain significance (1 of 4 stars; one submission).

Submission:

Labcorp Genetics (formerly Invitae), Labcorp
Classification: Uncertain significance. Last evaluated: 2023-08-04. Review status: criteria provided, single submitter. Criteria: Invitae Variant Classification Sherloc (09022015). Collection method: clinical testing. Allele origin: germline.
Comment: In summary, the available evidence is currently insufficient to determine the role of this variant in disease. Therefore, it has been classified as a Variant of Uncertain Significance. Algorithms developed to predict the effect of sequence changes on RNA splicing suggest that this variant may disrupt the consensus splice site. ClinVar contains an entry for this variant (Variation ID: 353423). This variant has not been reported in the literature in individuals affected with CPLANE1-related conditions. This variant is present in population databases (rs763664569, gnomAD 0.007%). This sequence change falls in intron 44 of the CPLANE1 gene. It does not directly change the encoded amino acid sequence of the CPLANE1 protein.